The following is an entry in ClinVar:

NM_002485.5(NBN):c.2132_2133del (p.His711fs)

Gene: NBN (nibrin; minus strand). Cytogenetic location: 8q21.3.
Variant type: Deletion.
Coding change: c.2132_2133del on transcript NM_002485.5 (MANE Select); coding-DNA positions 2132 to 2133, 2 bases deleted (AT; older notation c.2132_2133delAT).
Protein change: p.His711fs; shifts the reading frame from histidine 711.
Molecular consequence: frameshift variant.
Genome position (GRCh38, 1-based): chr8:89,943,304-89,943,305, AT deleted on the plus strand (AT on the coding strand, the reverse complement: NBN is on the minus strand). VCF-style (leftmost placement, unchanged base first): chr8-89943303-GAT-G. GRCh37 (hg19) VCF-style: chr8-90955531-GAT-G.
Other names: c.1886_1887del, p.His629fs (NM_001024688.3); short protein forms H711fs, H629fs.
Identifiers: ClinVar variation 1494292 (VCV001494292.6), dbSNP rs2130755717, ClinGen allele CA2573143333.

ClinVar aggregate classification (germline): Likely pathogenic (1 of 4 stars; one submission).

Conditions:
Microcephaly, normal intelligence and immunodeficiency (NBS). Also called: BERLIN BREAKAGE SYNDROME; Nijmegen breakage syndrome; Microcephaly with normal intelligence immunodeficiency and lymphoreticular malignancies; Nonsyndromal microcephaly autosomal recessive with normal intelligence; Seemanova syndrome 2; IMMUNODEFICIENCY, MICROCEPHALY, AND CHROMOSOMAL INSTABILITY. Identifiers: Orphanet 647, MedGen C0398791, MONDO:0009623, OMIM 251260.

Submission:

Labcorp Genetics (formerly Invitae), Labcorp
Classification: Likely pathogenic for Microcephaly, normal intelligence and immunodeficiency. Last evaluated: 2022-11-27. Review status: criteria provided, single submitter. Criteria: Invitae Variant Classification Sherloc (09022015). Collection method: clinical testing. Allele origin: germline.
Comment: This variant disrupts the ATM interaction domain of the NBN protein (PMID: 24894818, 21035407), which is important for activating ATM in the double-strand break repair pathway (PMID: 15964794, 15048089). While functional studies have not been performed to directly test the effect of this variant on NBN protein function, this suggests that disruption of this region of the protein is causative of disease. This sequence change creates a premature translational stop signal (p.His711Profs*30) in the NBN gene. While this is not anticipated to result in nonsense mediated decay, it is expected to disrupt the last 44 amino acid(s) of the NBN protein. This variant is not present in population databases (gnomAD no frequency). This variant has not been reported in the literature in individuals affected with NBN-related conditions. ClinVar contains an entry for this variant (Variation ID: 1494292). In summary, the currently available evidence indicates that the variant is pathogenic, but additional data are needed to prove that conclusively. Therefore, this variant has been classified as Likely Pathogenic.

Literature cited by the submitters: PubMed 24894818; PubMed 21035407; PubMed 15964794; PubMed 15048089.